The following is an entry in ClinVar:

NM_020822.3(KCNT1):c.385C>G (p.Leu129Val)

Gene: KCNT1 (potassium sodium-activated channel subfamily T member 1; plus strand). Cytogenetic location: 9q34.3.
Variant type: single nucleotide variant.
Coding change: c.385C>G on transcript NM_020822.3 (MANE Select); coding-DNA position 385, C replaced by G.
Protein change: p.Leu129Val; replaces leucine 129 with valine.
Molecular consequence: missense variant.
Genome position (GRCh38, 1-based): chr9:135,750,992, C>G. VCF-style: chr9-135750992-C-G. GRCh37 (hg19) VCF-style: chr9-138642838-C-G.
Other names: c.241C>G, p.Leu81Val (NM_001272003.2); short protein forms L129V, L81V.
Identifiers: ClinVar variation 804968 (VCV000804968.7), dbSNP rs1402206752, ClinGen allele CA375494988.
Genomic context (GRCh38, chr9:135,750,992, plus strand): 5'-CTCCCCGCAGGCCTGAGGATCCGGCTGTTCAACTTCTCCCTGAAGCTGCTCACCTGCCTG[C>G]TCTACATTGTGCGCGTCCTGCTCGATGACCCGGCCCTGGGCATCGGATGGTGGGCCACGT-3'
Protein context (NP_065873.2, residues 119-139): NFSLKLLTCL[Leu129Val]YIVRVLLDDP

ClinVar aggregate classification (germline): Uncertain significance. Review status: criteria provided, multiple submitters, no conflicts (2 of 4 stars). 5 submissions from 4 submitters: Uncertain significance (5). Last evaluated 2025-12-30.

Conditions:
Autosomal dominant nocturnal frontal lobe epilepsy 5. Also called: KCNT1-Related Epilepsy; Epilepsy, nocturnal frontal lobe, 5; CILIARY DYSKINESIA, PRIMARY, 28, WITHOUT SITUS INVERSUS; CILIARY DYSKINESIA, PRIMARY, 28, WITH SITUS INVERSUS. Identifiers: Orphanet 98784, MedGen C3554306, MONDO:0014002, OMIM 615005.
Developmental and epileptic encephalopathy, 14 (DEE14). Also called: Early infantile epileptic encephalopathy 14. Identifiers: Orphanet 293181, MedGen C3554195, MONDO:0013989, OMIM 614959.

Submissions (5):

Labcorp Genetics (formerly Invitae), Labcorp
Classification: Uncertain significance for Autosomal dominant nocturnal frontal lobe epilepsy 5; Developmental and epileptic encephalopathy, 14. Last evaluated: 2025-12-30. Review status: criteria provided, single submitter. Criteria: Invitae Variant Classification Sherloc (09022015). Collection method: clinical testing. Allele origin: germline.
Comment: This sequence change replaces leucine, which is neutral and non-polar, with valine, which is neutral and non-polar, at codon 129 of the KCNT1 protein (p.Leu129Val). This variant is not present in population databases (gnomAD no frequency). This variant has not been reported in the literature in individuals affected with KCNT1-related conditions. ClinVar contains an entry for this variant (Variation ID: 804968). Invitae Evidence Modeling of protein sequence and biophysical properties (such as structural, functional, and spatial information, amino acid conservation, physicochemical variation, residue mobility, and thermodynamic stability) has been performed for this missense variant. However, the output from this modeling did not meet the statistical confidence thresholds required to predict the impact of this variant on KCNT1 protein function. In summary, the available evidence is currently insufficient to determine the role of this variant in disease. Therefore, it has been classified as a Variant of Uncertain Significance.

Genome-Nilou Lab
Classification: Uncertain significance for Developmental and epileptic encephalopathy, 14. Last evaluated: 2022-03-15. Review status: criteria provided, single submitter. Criteria: ACMG Guidelines, 2015. Collection method: clinical testing. Allele origin: germline. Affected: no.

Genome-Nilou Lab
Classification: Uncertain significance for Autosomal dominant nocturnal frontal lobe epilepsy 5. Last evaluated: 2022-03-15. Review status: criteria provided, single submitter. Criteria: ACMG Guidelines, 2015. Collection method: clinical testing. Allele origin: germline. Affected: no.

GeneDx
Classification: Uncertain significance. Last evaluated: 2021-06-28. Review status: criteria provided, single submitter. Criteria: GeneDx Variant Classification Process June 2021. Collection method: clinical testing. Allele origin: germline. Affected: yes.
Comment: Not observed in large population cohorts (Lek et al., 2016); In silico analysis, which includes protein predictors and evolutionary conservation, supports a deleterious effect; Has not been previously published as pathogenic or benign to our knowledge; This variant is associated with the following publications: (PMID: 27535533)

Athena Diagnostics
Classification: Uncertain significance. Last evaluated: 2019-06-10. Review status: criteria provided, single submitter. Criteria: Athena Diagnostics Criteria. Collection method: clinical testing. Allele origin: germline.